The following is an entry in ClinVar:

ClinVar aggregate classification (germline): Conflicting classifications of pathogenicity. Review status: criteria provided, conflicting classifications (1 of 4 stars). 4 submissions from 4 submitters: Uncertain significance (3); Likely benign (1). Last evaluated 2025-11-18.

Conditions:
Hypophosphatemic nephrolithiasis/osteoporosis 2. Identifiers: Orphanet 244305, MedGen C2676782, MONDO:0012851, OMIM 612287.
Inborn genetic diseases. Identifiers: MedGen C0950123, MeSH D030342.

Allele frequency attached by ClinVar (database versions not stated): gnomAD exomes 0.00002; gnomAD 0.00003; TOPMed 0.00004; ExAC 0.00005; ESP Exome Variant Server 0.00008; 1000 Genomes Project 30x 0.00016; 1000 Genomes Project 0.00020.
gnomAD v4.1: 64 of 1,614,156 alleles (0.004%); highest among the groups gnomAD compares: Middle Eastern, 0.082%; no homozygotes.

Submissions (4):

Labcorp Genetics (formerly Invitae), Labcorp
Classification: Uncertain significance. Last evaluated: 2025-11-18. Review status: criteria provided, single submitter. Criteria: Invitae Variant Classification Sherloc (09022015). Collection method: clinical testing. Allele origin: germline.
Comment: This sequence change replaces proline, which is neutral and non-polar, with alanine, which is neutral and non-polar, at codon 304 of the SLC9A3R1 protein (p.Pro304Ala). This variant is present in population databases (rs375430336, gnomAD 0.02%). This variant has not been reported in the literature in individuals affected with SLC9A3R1-related conditions. ClinVar contains an entry for this variant (Variation ID: 2693848). An algorithm developed to predict the effect of missense changes on protein structure and function (PolyPhen-2) suggests that this variant is likely to be tolerated. In summary, the available evidence is currently insufficient to determine the role of this variant in disease. Therefore, it has been classified as a Variant of Uncertain Significance.

Ambry Genetics
Classification: Uncertain significance for Inborn genetic diseases. Last evaluated: 2024-06-13. Review status: criteria provided, single submitter. Criteria: Ambry Variant Classification Scheme 2023. Collection method: clinical testing. Allele origin: germline.

Blueprint Genetics
Classification: Likely benign. Last evaluated: 2024-06-11. Review status: criteria provided, single submitter. Criteria: ACMG Guidelines, 2015. Collection method: clinical testing. Allele origin: germline.

Clinical Genomics Laboratory, Stanford Medicine
Classification: Uncertain significance for Hypophosphatemic nephrolithiasis/osteoporosis 2. Last evaluated: 2022-09-09. Review status: criteria provided, single submitter. Criteria: ACMG Guidelines, 2015. Collection method: clinical testing. Allele origin: germline. Observed: 1 variant allele, 1 heterozygote.

NM_004252.5(NHERF1):c.910C>G (p.Pro304Ala)

Gene: NHERF1 (NHERF family PDZ scaffold protein 1; plus strand). Cytogenetic location: 17q25.1.
Variant type: single nucleotide variant.
Coding change: c.910C>G on transcript NM_004252.5 (MANE Select); coding-DNA position 910, C replaced by G.
Protein change: p.Pro304Ala; replaces proline 304 with alanine.
Molecular consequence: missense variant.
Genome position (GRCh38, 1-based): chr17:74,768,489, C>G. VCF-style: chr17-74768489-C-G. GRCh37 (hg19) VCF-style: chr17-72764628-C-G.
Other names: c.910C>G (NM_004252.3); short protein forms P304A.
Identifiers: ClinVar variation 2693848 (VCV002693848.7), dbSNP rs375430336, ClinGen allele CA8750826.
Genomic context (GRCh38, chr17:74,768,489, plus strand): 5'-GACTGACTCCCAACTTCCTGCCCCCACTTCTCTTTACAGCTGAATTCCCAAGACAGCCCC[C>G]CAAAACAGGACTCCACAGCGCCCTCGTCTACCTCCTCCTCCGACCCCATCCTAGACTTCA-3'
Protein context (NP_004243.1, residues 294-314): SEELNSQDSP[Pro304Ala]KQDSTAPSST